The following is an entry in ClinVar:

ClinVar aggregate classification (germline): Pathogenic/Likely pathogenic. Review status: criteria provided, multiple submitters, no conflicts (2 of 4 stars). 5 submissions from 5 submitters: Pathogenic (4); Likely pathogenic (1). Last evaluated 2026-02-05.

Conditions:
Arrhythmogenic right ventricular dysplasia 9 (ARVD9). Also called: Arrhythmogenic Right Ventricular Dysplasia/Cardiomyopathy 9; ARRHYTHMOGENIC RIGHT VENTRICULAR DYSPLASIA, FAMILIAL, 9. Identifiers: MedGen C1836906, MONDO:0012180, OMIM 609040.
Cardiovascular phenotype. Identifiers: MedGen CN230736.

Allele frequency attached by ClinVar (database versions not stated): gnomAD exomes below 0.00001; gnomAD 0.00001; TOPMed 0.00001.
gnomAD v4.1: 4 of 1,611,966 alleles (0.00025%); highest among the groups gnomAD compares: African/African-American, 0.0053%; no homozygotes.

Submissions (5):

GeneDx
Classification: Pathogenic. Last evaluated: 2026-02-05. Review status: criteria provided, single submitter. Criteria: GeneDx Variant Classification Process June 2021. Collection method: clinical testing. Allele origin: germline. Affected: yes.
Comment: Canonical splice site variant predicted to result in a null allele in a gene for which loss of function is a known mechanism of disease; Not observed at significant frequency in large population cohorts (gnomAD); Reported among a cohort who underwent postmortem genetic testing; the decedent harboring this variant was found to have cardiac hypertrophy on autopsy (PMID: 38777137); Identified in patients with ARVC referred for genetic testing at GeneDx; This variant is associated with the following publications: (PMID: 34714385, 38642551, 38777137)

Ambry Genetics
Classification: Pathogenic for Cardiovascular phenotype. Last evaluated: 2025-07-01. Review status: criteria provided, single submitter. Criteria: Ambry Variant Classification Scheme 2023. Collection method: clinical testing. Allele origin: germline.
Comment: The c.1511-2A>T intronic pathogenic mutation results from an A to T substitution two nucleotides upstream from coding exon 7 in the PKP2 gene. Other variant(s) impacting the same acceptor site (c.1511-2A>G) have been shown to have a similar impact on splicing in individual(s) with features consistent with arrhythmogenic right ventricular cardiomyopathy (ARVC) and shown to result in skipping of exon 7 with a consequent shift in the reading frame (Groeneweg JA et al. Heart Rhythm. 2014;11:2010-7). Alterations that disrupt the canonical splice site are expected to cause aberrant splicing, resulting in an abnormal protein or a transcript that is subject to nonsense-mediated mRNA decay. As such, this alteration is classified as a disease-causing mutation.

Labcorp Genetics (formerly Invitae), Labcorp
Classification: Pathogenic for Arrhythmogenic right ventricular dysplasia 9. Last evaluated: 2025-01-27. Review status: criteria provided, single submitter. Criteria: Invitae Variant Classification Sherloc (09022015). Collection method: clinical testing. Allele origin: germline.
Comment: This sequence change affects an acceptor splice site in intron 6 of the PKP2 gene. RNA analysis indicates that disruption of this splice site induces altered splicing and may result in an absent or altered protein product. This variant is present in population databases (no rsID available, gnomAD 0.007%). Disruption of this splice site has been observed in individuals with arrhythmogenic right ventricular cardiomyopathy (PMID: 25087486, 38336791). ClinVar contains an entry for this variant (Variation ID: 518485). Studies have shown that disruption of this splice site results in skipping of exon 7, and produces a non-functional protein and/or introduces a premature termination codon (PMID: 25087486). For these reasons, this variant has been classified as Pathogenic.

Fulgent Genetics
Classification: Likely pathogenic for Arrhythmogenic right ventricular dysplasia 9. Last evaluated: 2021-10-12. Review status: criteria provided, single submitter. Criteria: ACMG Guidelines, 2015. Collection method: clinical testing. Allele origin: unknown.

ARUP Laboratories, Molecular Genetics and Genomics, ARUP Laboratories
Classification: Pathogenic for Arrhythmogenic right ventricular dysplasia 9. Last evaluated: 2019-03-13. Review status: criteria provided, single submitter. Criteria: ARUP Molecular Germline Variant Investigation Process. Collection method: clinical testing. Allele origin: germline.
Comment: The PKP2 c.1511-2A>T variant (rs1453983744), to our knowledge, is not reported in the medical literature, but another variant at this nucleotide has been identified in an individual with arrhythmogenic right ventricular dysplasia/cardiomyopathy and was shown to alter splicing (Groeneweg 2014). The identified variant is reported in ClinVar (Variation ID: 518485) and is found in the general population with an allele frequency of 0.0004% (1/249,604 alleles) in the Genome Aggregation Database. This variant abolishes the canonical splice acceptor site of intron 6, which is likely to disrupt gene function. Based on available information, this variant is considered to be pathogenic.

Literature cited by the submitters: PubMed 25087486 (cited by Ambry Genetics and Labcorp Genetics (formerly Invitae), Labcorp); PubMed 38336791 (cited by Labcorp Genetics (formerly Invitae), Labcorp).

NM_001005242.3(PKP2):c.1379-2A>T

Gene: PKP2 (plakophilin 2; minus strand). Cytogenetic location: 12p11.21.
Variant type: single nucleotide variant.
Coding change: c.1379-2A>T on transcript NM_001005242.3 (MANE Select); the canonical splice acceptor site of the intron before coding-DNA position 1379, A replaced by T.
Molecular consequence: splice acceptor variant.
Genome position (GRCh38, 1-based): chr12:32,841,207, T>A on the plus strand (A>T on the coding strand, the complement: PKP2 is on the minus strand). VCF-style: chr12-32841207-T-A. GRCh37 (hg19) VCF-style: chr12-32994141-T-A.
Other names: c.1379-2A>T (NM_001407156.1, NM_001407155.1, NM_001407161.1); c.1511-2A>T (NM_004572.4, NM_001407157.1); c.1052-2A>T (NM_001407160.1, NM_001407159.1, NM_001407158.1 and 1 more transcripts).
Identifiers: ClinVar variation 518485 (VCV000518485.26), dbSNP rs1453983744, ClinGen allele CA384368196.